The following is an entry in ClinVar:

ClinVar aggregate classification (germline): Uncertain significance (1 of 4 stars; one submission).

Conditions:
Early-infantile DEE. Also called: Early infantile epileptic encephalopathy; Ohtahara syndrome; Early infantile epileptic encephalopathy with suppression bursts. Identifiers: Orphanet 1934, MedGen C0393706, MONDO:0800491.

Submission:

Labcorp Genetics (formerly Invitae), Labcorp
Classification: Uncertain significance for Early-infantile DEE. Last evaluated: 2022-06-24. Review status: criteria provided, single submitter. Criteria: Invitae Variant Classification Sherloc (09022015). Collection method: clinical testing. Allele origin: germline.
Comment: In summary, the available evidence is currently insufficient to determine the role of this variant in disease. Therefore, it has been classified as a Variant of Uncertain Significance. Advanced modeling of protein sequence and biophysical properties (such as structural, functional, and spatial information, amino acid conservation, physicochemical variation, residue mobility, and thermodynamic stability) performed at Invitae indicates that this missense variant is expected to disrupt KCNH5 protein function. This variant has not been reported in the literature in individuals affected with KCNH5-related conditions. This variant is not present in population databases (gnomAD no frequency). This sequence change replaces threonine, which is neutral and polar, with lysine, which is basic and polar, at codon 468 of the KCNH5 protein (p.Thr468Lys).

NM_139318.5(KCNH5):c.1403C>A (p.Thr468Lys)

Gene: KCNH5 (potassium voltage-gated channel subfamily H member 5; minus strand). Cytogenetic location: 14q23.2.
Variant type: single nucleotide variant.
Coding change: c.1403C>A on transcript NM_139318.5 (MANE Select); coding-DNA position 1403, C replaced by A.
Protein change: p.Thr468Lys; replaces threonine 468 with lysine.
Molecular consequence: missense variant.
Genome position (GRCh38, 1-based): chr14:62,849,819, G>T on the plus strand (C>A on the coding strand, the complement: KCNH5 is on the minus strand). VCF-style: chr14-62849819-G-T. GRCh37 (hg19) VCF-style: chr14-63316537-G-T.
Other names: c.1403C>A, p.Thr468Lys (NM_172375.3); short protein forms T468K.
Identifiers: ClinVar variation 2010202 (VCV002010202.4), dbSNP rs2502867237, ClinGen allele CA390102574.